The following is an entry in ClinVar:

NM_015122.3(FCHO1):c.2243C>T (p.Pro748Leu)

Gene: FCHO1 (FCH and mu domain containing endocytic adaptor 1; plus strand). Cytogenetic location: 19p13.11.
Variant type: single nucleotide variant.
Coding change: c.2243C>T on transcript NM_015122.3 (MANE Select); coding-DNA position 2243, C replaced by T.
Protein change: p.Pro748Leu; replaces proline 748 with leucine.
Molecular consequence: missense variant. On other transcripts: non-coding transcript variant (35), intron variant (6).
Genome position (GRCh38, 1-based): chr19:17,784,741, C>T. VCF-style: chr19-17784741-C-T. GRCh37 (hg19) VCF-style: chr19-17895550-C-T.
Other names: c.2093C>T, p.Pro698Leu (NM_001384386.1, NM_001161359.2, NM_001384384.1 and 1 more transcripts); c.2204C>T, p.Pro735Leu (NM_001384388.1, NM_001384389.1); c.2168C>T, p.Pro723Leu (NM_001384390.1); c.2126C>T, p.Pro709Leu (NM_001384392.1, NM_001384393.1, NM_001384394.1 and 1 more transcripts); c.1967C>T, p.Pro656Leu (NM_001384396.1, NM_001384397.1, NM_001384398.1 and 4 more transcripts); c.2243C>T, p.Pro748Leu (NM_001161357.2, NM_001161358.2, NM_001384370.1 and 11 more transcripts); c.1922C>T, p.Pro641Leu (NM_001384403.1); c.1950+506C>T (NM_001384404.1); and 5 more; short protein forms P656L, P641L, P748L, P698L, P709L, P735L, P723L.
Identifiers: ClinVar variation 1359224 (VCV001359224.8), dbSNP rs759802709, ClinGen allele CA9300822.

ClinVar aggregate classification (germline): Uncertain significance (1 of 4 stars; one submission).

Allele frequency attached by ClinVar (database versions not stated): ExAC 0.00002; gnomAD exomes 0.00002.
gnomAD v4.1: 21 of 1,614,084 alleles (0.0013%); highest among the groups gnomAD compares: South Asian, 0.023%; no homozygotes.

Submission:

Labcorp Genetics (formerly Invitae), Labcorp
Classification: Uncertain significance. Last evaluated: 2024-02-17. Review status: criteria provided, single submitter. Criteria: Invitae Variant Classification Sherloc (09022015). Collection method: clinical testing. Allele origin: germline.
Comment: This sequence change replaces proline, which is neutral and non-polar, with leucine, which is neutral and non-polar, at codon 748 of the FCHO1 protein (p.Pro748Leu). This variant is present in population databases (rs759802709, gnomAD 0.02%). This variant has not been reported in the literature in individuals affected with FCHO1-related conditions. ClinVar contains an entry for this variant (Variation ID: 1359224). Algorithms developed to predict the effect of missense changes on protein structure and function output the following: SIFT: "Not Available"; PolyPhen-2: "Benign"; Align-GVGD: "Not Available". The leucine amino acid residue is found in multiple mammalian species, which suggests that this missense change does not adversely affect protein function. In summary, the available evidence is currently insufficient to determine the role of this variant in disease. Therefore, it has been classified as a Variant of Uncertain Significance.